The following is an entry in ClinVar:

ClinVar aggregate classification (germline): Pathogenic (1 of 4 stars; one submission).

Submission:

Labcorp Genetics (formerly Invitae), Labcorp
Classification: Pathogenic. Last evaluated: 2022-08-22. Review status: criteria provided, single submitter. Criteria: Invitae Variant Classification Sherloc (09022015). Collection method: clinical testing. Allele origin: germline.
Comment: For these reasons, this variant has been classified as Pathogenic. This variant disrupts a region of the REEP6 protein in which other variant(s) (p.Leu135Pro) have been determined to be pathogenic (PMID: 27889058, 28475715). This suggests that this is a clinically significant region of the protein, and that variants that disrupt it are likely to be disease-causing. This variant has not been reported in the literature in individuals affected with REEP6-related conditions. This variant is a gross deletion of the genomic region encompassing exon(s) 2-6 of the REEP6 gene, which includes the termination codon. This deletion extends beyond the assayed region for this gene and therefore may encompass additional genes. While this deletion is not anticipated to lead to nonsense mediated decay, it is expected to alter mRNA translation or result in a truncated protein product.

Literature cited by the submitters: PubMed 27889058; PubMed 28475715.

NC_000019.9:g.(?_1495273)_(1497210_?)del

Gene: REEP6 (receptor accessory protein 6; plus strand). Cytogenetic location: 19p13.3.
Variant type: Deletion.
Identifiers: ClinVar variation 1410359 (VCV001410359.5).